The following is an entry in ClinVar:

NM_001379500.1(COL18A1):c.2576A>G (p.Asn859Ser)

Gene: COL18A1 (collagen type XVIII alpha 1 chain; plus strand). Cytogenetic location: 21q22.3.
Variant type: single nucleotide variant.
Coding change: c.2576A>G on transcript NM_001379500.1 (MANE Select); coding-DNA position 2576, A replaced by G.
Protein change: p.Asn859Ser; replaces asparagine 859 with serine.
Molecular consequence: missense variant.
Genome position (GRCh38, 1-based): chr21:45,496,567, A>G. VCF-style: chr21-45496567-A-G. GRCh37 (hg19) VCF-style: chr21-46916481-A-G.
Other names: c.3116A>G, p.Asn1039Ser (NM_030582.4); c.3821A>G, p.Asn1274Ser (NM_130444.3); short protein forms N1274S, N1039S, N859S.
Identifiers: ClinVar variation 1502025 (VCV001502025.3), dbSNP rs762756737, ClinGen allele CA10067184.

ClinVar aggregate classification (germline): Uncertain significance (1 of 4 stars; one submission).

Allele frequency attached by ClinVar (database versions not stated): gnomAD 0.00001; gnomAD exomes 0.00002; TOPMed 0.00002; ExAC 0.00003.
gnomAD v4.1: 27 of 1,446,530 alleles (0.0019%); highest among the groups gnomAD compares: South Asian, 0.0057%; no homozygotes.

Submission:

Labcorp Genetics (formerly Invitae), Labcorp
Classification: Uncertain significance. Last evaluated: 2022-08-31. Review status: criteria provided, single submitter. Criteria: Invitae Variant Classification Sherloc (09022015). Collection method: clinical testing. Allele origin: germline.
Comment: This sequence change replaces asparagine, which is neutral and polar, with serine, which is neutral and polar, at codon 859 of the COL18A1 protein (p.Asn859Ser). This variant is present in population databases (rs762756737, gnomAD 0.007%). This variant has not been reported in the literature in individuals affected with COL18A1-related conditions. ClinVar contains an entry for this variant (Variation ID: 1502025). Algorithms developed to predict the effect of sequence changes on RNA splicing suggest that this variant is not likely to affect RNA splicing. In summary, the available evidence is currently insufficient to determine the role of this variant in disease. Therefore, it has been classified as a Variant of Uncertain Significance.